The following is an entry in ClinVar:

ClinVar aggregate classification (germline): Uncertain significance (1 of 4 stars; one submission).

Conditions:
Spastic paraplegia. Identifiers: MedGen C0037772, HP:0001258.

Submission:

Labcorp Genetics (formerly Invitae), Labcorp
Classification: Uncertain significance for Spastic paraplegia. Last evaluated: 2018-08-21. Review status: criteria provided, single submitter. Criteria: Invitae Variant Classification Sherloc (09022015). Collection method: clinical testing. Allele origin: germline.
Comment: This sequence change replaces arginine with glycine at codon 497 of the ARSI protein (p.Arg497Gly). The arginine residue is highly conserved and there is a moderate physicochemical difference between arginine and glycine. This variant is not present in population databases (ExAC no frequency). This variant has not been reported in the literature in individuals with ARSI-related disease. Algorithms developed to predict the effect of missense changes on protein structure and function are either unavailable or do not agree on the potential impact of this missense change (SIFT: "Deleterious"; PolyPhen-2: "Possibly Damaging"; Align-GVGD: "Class C0"). In summary, the available evidence is currently insufficient to determine the role of this variant in disease. Therefore, it has been classified as a Variant of Uncertain Significance.

NM_001012301.4(ARSI):c.1489C>G (p.Arg497Gly)

Gene: ARSI (arylsulfatase family member I; minus strand). Cytogenetic location: 5q32.
Variant type: single nucleotide variant.
Coding change: c.1489C>G on transcript NM_001012301.4 (MANE Select); coding-DNA position 1489, C replaced by G.
Protein change: p.Arg497Gly; replaces arginine 497 with glycine.
Molecular consequence: missense variant.
Genome position (GRCh38, 1-based): chr5:150,297,435, G>C on the plus strand (C>G on the coding strand, the complement: ARSI is on the minus strand). VCF-style: chr5-150297435-G-C. GRCh37 (hg19) VCF-style: chr5-149676998-G-C.
Other names: short protein forms R497G.
Identifiers: ClinVar variation 654800 (VCV000654800.1), dbSNP rs199613569, ClinGen allele CA361726822.